The following is an entry in ClinVar:

ClinVar aggregate classification (germline): Uncertain significance (1 of 4 stars; one submission).

Conditions:
Glanzmann thrombasthenia. Also called: Glanzmann's thrombasthenia; BLEEDING DISORDER, PLATELET-TYPE, 2; THROMBASTHENIA OF GLANZMANN AND NAEGELI; Thrombasthenia; PLATELET GLYCOPROTEIN IIb-IIIa DEFICIENCY. Identifiers: Orphanet 849, MedGen C0040015, MONDO:0100326.

gnomAD v4.1: 2 of 1,604,540 alleles (0.00012%); highest among the groups gnomAD compares: Non-Finnish European, 0.00017%; no homozygotes.

Submission:

Labcorp Genetics (formerly Invitae), Labcorp
Classification: Uncertain significance for Glanzmann thrombasthenia. Last evaluated: 2024-05-06. Review status: criteria provided, single submitter. Criteria: Invitae Variant Classification Sherloc (09022015). Collection method: clinical testing. Allele origin: germline.
Comment: This sequence change replaces arginine, which is basic and polar, with tryptophan, which is neutral and slightly polar, at codon 72 of the ITGA2B protein (p.Arg72Trp). The frequency data for this variant in the population databases is considered unreliable, as metrics indicate poor data quality at this position in the gnomAD database. This variant has not been reported in the literature in individuals affected with ITGA2B-related conditions. Advanced modeling of protein sequence and biophysical properties (such as structural, functional, and spatial information, amino acid conservation, physicochemical variation, residue mobility, and thermodynamic stability) performed at Invitae indicates that this missense variant is not expected to disrupt ITGA2B protein function with a negative predictive value of 80%. In summary, the available evidence is currently insufficient to determine the role of this variant in disease. Therefore, it has been classified as a Variant of Uncertain Significance.

NM_000419.5(ITGA2B):c.214C>T (p.Arg72Trp)

Gene: ITGA2B (integrin subunit alpha 2b; minus strand). Cytogenetic location: 17q21.31.
Variant type: single nucleotide variant.
Coding change: c.214C>T on transcript NM_000419.5 (MANE Select); coding-DNA position 214, C replaced by T.
Protein change: p.Arg72Trp; replaces arginine 72 with tryptophan.
Molecular consequence: missense variant.
Genome position (GRCh38, 1-based): chr17:44,386,106, G>A on the plus strand (C>T on the coding strand, the complement: ITGA2B is on the minus strand). VCF-style: chr17-44386106-G-A. GRCh37 (hg19) VCF-style: chr17-42463474-G-A.
Other names: short protein forms R72W.
Identifiers: ClinVar variation 3712172 (VCV003712172.2).